The following is an entry in ClinVar:

ClinVar aggregate classification (germline): Likely benign. Review status: criteria provided, single submitter (1 of 4 stars). 2 submissions from 2 submitters: Likely benign (1). 1 of the submissions does not count toward it. Last evaluated 2026-02-04.

Conditions:
CDT1-related disorder. Also called: CDT1-related condition.

Allele frequency attached by ClinVar (database versions not stated): TOPMed below 0.00001; ExAC 0.00001; gnomAD 0.00001; gnomAD exomes 0.00004.
gnomAD v4.1: 65 of 1,612,868 alleles (0.004%); highest among the groups gnomAD compares: Middle Eastern, 0.016%; no homozygotes.

Submissions (2):

Labcorp Genetics (formerly Invitae), Labcorp
Classification: Likely benign. Last evaluated: 2026-02-04. Review status: criteria provided, single submitter. Criteria: Invitae Variant Classification Sherloc (09022015). Collection method: clinical testing. Allele origin: germline.

PreventionGenetics, part of Exact Sciences
Classification: Likely benign for CDT1-related condition. Last evaluated: 2019-04-09. Review status: no assertion criteria provided. Collection method: clinical testing. Allele origin: germline. Not counted in ClinVar's aggregate classification.
Comment: This variant is classified as likely benign based on ACMG/AMP sequence variant interpretation guidelines (Richards et al. 2015 PMID: 25741868, with internal and published modifications).

NM_030928.4(CDT1):c.546G>A (p.Pro182=)

Gene: CDT1 (chromatin licensing and DNA replication factor 1; plus strand). Cytogenetic location: 16q24.3.
Variant type: single nucleotide variant.
Coding change: c.546G>A on transcript NM_030928.4 (MANE Select); coding-DNA position 546, G replaced by A.
Protein change: p.Pro182=; no amino-acid change (proline 182 retained).
Molecular consequence: synonymous variant.
Genome position (GRCh38, 1-based): chr16:88,805,497, G>A. VCF-style: chr16-88805497-G-A. GRCh37 (hg19) VCF-style: chr16-88871905-G-A.
Other names: c.546G>A (NM_030928.3).
Identifiers: ClinVar variation 2885393 (VCV002885393.5), dbSNP rs770311076, ClinGen allele CA8233700.